The following is an entry in ClinVar:

ClinVar aggregate classification (germline): Conflicting classifications of pathogenicity. Review status: criteria provided, conflicting classifications (1 of 4 stars). 2 submissions from 2 submitters: Uncertain significance (1); Likely benign (1). Last evaluated 2023-06-07.

Allele frequency attached by ClinVar (database versions not stated): gnomAD 0.00003; TOPMed 0.00004; ExAC 0.00014; ESP Exome Variant Server 0.00016; 1000 Genomes Project 30x 0.00031.
gnomAD v4.1: 58 of 1,603,724 alleles (0.0036%); highest among the groups gnomAD compares: Admixed American, 0.01%; no homozygotes.

Submissions (2):

Ambry Genetics
Classification: Likely benign. Last evaluated: 2023-06-07. Review status: criteria provided, single submitter. Criteria: Ambry Variant Classification Scheme 2023. Collection method: clinical testing. Allele origin: germline.

Labcorp Genetics (formerly Invitae), Labcorp
Classification: Uncertain significance. Last evaluated: 2022-05-22. Review status: criteria provided, single submitter. Criteria: Invitae Variant Classification Sherloc (09022015). Collection method: clinical testing. Allele origin: germline.
Comment: This sequence change replaces proline, which is neutral and non-polar, with leucine, which is neutral and non-polar, at codon 2039 of the CACNA1B protein (p.Pro2039Leu). This variant is present in population databases (rs199894458, gnomAD 0.02%). This variant has not been reported in the literature in individuals affected with CACNA1B-related conditions. Advanced modeling of protein sequence and biophysical properties (such as structural, functional, and spatial information, amino acid conservation, physicochemical variation, residue mobility, and thermodynamic stability) performed at Invitae indicates that this missense variant is not expected to disrupt CACNA1B protein function. In summary, the available evidence is currently insufficient to determine the role of this variant in disease. Therefore, it has been classified as a Variant of Uncertain Significance.

NM_000718.4(CACNA1B):c.6116C>T (p.Pro2039Leu)

Gene: CACNA1B (calcium voltage-gated channel subunit alpha1 B; plus strand). Cytogenetic location: 9q34.3.
Variant type: single nucleotide variant.
Coding change: c.6116C>T on transcript NM_000718.4 (MANE Select); coding-DNA position 6116, C replaced by T.
Protein change: p.Pro2039Leu; replaces proline 2039 with leucine.
Molecular consequence: missense variant.
Genome position (GRCh38, 1-based): chr9:138,120,250, C>T. VCF-style: chr9-138120250-C-T. GRCh37 (hg19) VCF-style: chr9-141014702-C-T.
Other names: c.6116C>T, p.Pro2039Leu (NM_001243812.2); c.6116C>T (NM_000718.3); short protein forms P2039L.
Identifiers: ClinVar variation 1897337 (VCV001897337.4), dbSNP rs199894458, ClinGen allele CA5377609.